The following is an entry in ClinVar:

ClinVar aggregate classification (germline): Pathogenic. Review status: criteria provided, multiple submitters, no conflicts (2 of 4 stars). 2 submissions from 2 submitters: Pathogenic (2). Last evaluated 2024-09-19.

Conditions:
Popliteal pterygium syndrome (PPS). Identifiers: Orphanet 294963, MedGen C0265259, MONDO:0017435.
Orofacial cleft 6, susceptibility to (OFC6). Also called: CLEFT LIP WITH OR WITHOUT CLEFT PALATE, NONSYNDROMIC, 6. Identifiers: MedGen C1837213, MONDO:0012141, OMIM 608864.
Van der Woude syndrome. Identifiers: Orphanet 888, MedGen C0175697, MONDO:0019508.

Submissions (2):

Dasa
Classification: Pathogenic. Last evaluated: 2024-09-19. Review status: criteria provided, single submitter. Criteria: DASA Assertion Criteria. Collection method: clinical testing. Allele origin: germline.
Comment: NM_006147.4(IRF6):c.259C>T (p.Leu87Phe) is a missense variant that results in the substitution of leucine with phenylalanine. Multiple computational predictions support a deleterious effect on the gene or gene product. Based on the available data, this variant is classified as pathogenic.

Labcorp Genetics (formerly Invitae), Labcorp
Classification: Pathogenic for Orofacial cleft 6, susceptibility to; Van der Woude syndrome; Popliteal pterygium syndrome. Last evaluated: 2023-08-10. Review status: criteria provided, single submitter. Criteria: Invitae Variant Classification Sherloc (09022015). Collection method: clinical testing. Allele origin: germline.
Comment: For these reasons, this variant has been classified as Pathogenic. Advanced modeling of protein sequence and biophysical properties (such as structural, functional, and spatial information, amino acid conservation, physicochemical variation, residue mobility, and thermodynamic stability) performed at Invitae indicates that this missense variant is expected to disrupt IRF6 protein function. This missense change has been observed in individuals with Van der Woude (PMID: 19282774, 32108996; Invitae). This variant is not present in population databases (gnomAD no frequency). This sequence change replaces leucine, which is neutral and non-polar, with phenylalanine, which is neutral and non-polar, at codon 87 of the IRF6 protein (p.Leu87Phe).

Literature cited by the submitters: PubMed 19282774 (cited by Labcorp Genetics (formerly Invitae), Labcorp); PubMed 32108996 (cited by Labcorp Genetics (formerly Invitae), Labcorp).

NM_006147.4(IRF6):c.259C>T (p.Leu87Phe)

Gene: IRF6 (interferon regulatory factor 6; minus strand). Cytogenetic location: 1q32.2.
Variant type: single nucleotide variant.
Coding change: c.259C>T on transcript NM_006147.4 (MANE Select); coding-DNA position 259, C replaced by T.
Protein change: p.Leu87Phe; replaces leucine 87 with phenylalanine.
Molecular consequence: missense variant. On other transcripts: 5 prime UTR variant (1).
Genome position (GRCh38, 1-based): chr1:209,796,468, G>A on the plus strand (C>T on the coding strand, the complement: IRF6 is on the minus strand). VCF-style: chr1-209796468-G-A. GRCh37 (hg19) VCF-style: chr1-209969813-G-A.
Other names: c.-27C>T (NM_001206696.2); short protein forms L87F.
Identifiers: ClinVar variation 2925312 (VCV002925312.4), dbSNP rs2464683620, ClinGen allele CA344583277.